The following is an entry in ClinVar:

NM_000260.4(MYO7A):c.58T>A (p.Phe20Ile)

Gene: MYO7A (myosin VIIA; plus strand). Cytogenetic location: 11q13.5.
Variant type: single nucleotide variant.
Coding change: c.58T>A on transcript NM_000260.4 (MANE Select); coding-DNA position 58, T replaced by A.
Protein change: p.Phe20Ile; replaces phenylalanine 20 with isoleucine.
Molecular consequence: missense variant.
Genome position (GRCh38, 1-based): chr11:77,142,748, T>A. VCF-style: chr11-77142748-T-A. GRCh37 (hg19) VCF-style: chr11-76853794-T-A.
Other names: c.58T>A, p.Phe20Ile (NM_001127180.2); c.25T>A, p.Phe9Ile (NM_001369365.1); short protein forms F9I, F20I.
Identifiers: ClinVar variation 3688201 (VCV003688201.2).

ClinVar aggregate classification (germline): Uncertain significance (1 of 4 stars; one submission).

gnomAD v4.1: 1 of 1,611,800 alleles (0.000062%); highest among the groups gnomAD compares: Non-Finnish European, 0.000085%; no homozygotes.

Submission:

Labcorp Genetics (formerly Invitae), Labcorp
Classification: Uncertain significance. Last evaluated: 2024-05-01. Review status: criteria provided, single submitter. Criteria: Invitae Variant Classification Sherloc (09022015). Collection method: clinical testing. Allele origin: germline.
Comment: This sequence change replaces phenylalanine, which is neutral and non-polar, with isoleucine, which is neutral and non-polar, at codon 20 of the MYO7A protein (p.Phe20Ile). This variant is not present in population databases (gnomAD no frequency). This variant has not been reported in the literature in individuals affected with MYO7A-related conditions. Advanced modeling of protein sequence and biophysical properties (such as structural, functional, and spatial information, amino acid conservation, physicochemical variation, residue mobility, and thermodynamic stability) performed at Invitae indicates that this missense variant is not expected to disrupt MYO7A protein function with a negative predictive value of 95%. In summary, the available evidence is currently insufficient to determine the role of this variant in disease. Therefore, it has been classified as a Variant of Uncertain Significance.